The following is an entry in ClinVar:

ClinVar aggregate classification (germline): Benign/Likely benign. Review status: criteria provided, multiple submitters, no conflicts (2 of 4 stars). 6 submissions from 6 submitters: Benign (2); Likely benign (4). Last evaluated 2025-11-01.

Conditions:
Choanal atresia-athelia-hypothyroidism-delayed puberty-short stature syndrome (BCAHH). Also called: BRANCHIAL ARCH ABNORMALITIES, CHOANAL ATRESIA, ATHELIA, HEARING LOSS, AND HYPOTHYROIDISM SYNDROME. Identifiers: Orphanet 589856, MedGen C5680310, MONDO:0035651, OMIM 620186.
Kabuki syndrome 1 (KABUK1). Also called: KMT2D-Related Kabuki Syndrome. Identifiers: Orphanet 2322, MedGen CN030661, MONDO:0007843, OMIM 147920.
KMT2D-related disorder. Also called: KMT2D-Related Disorders.
Inborn genetic diseases. Identifiers: MedGen C0950123, MeSH D030342.
Kabuki syndrome. Also called: Kabuki make-up syndrome; NIIKAWA-KUROKI SYNDROME. Identifiers: Orphanet 2322, MedGen C0796004, MONDO:0016512.

Allele frequency attached by ClinVar (database versions not stated): gnomAD below 0.00001 and 0.00001; TOPMed 0.00001; gnomAD exomes 0.00008 and 0.00014; ExAC 0.00018.
gnomAD v4.1: 114 of 1,612,386 alleles (0.0071%); highest among the groups gnomAD compares: South Asian, 0.12%; no homozygotes.

Submissions (6):

CeGaT Center for Human Genetics Tuebingen
Classification: Likely benign. Last evaluated: 2025-11-01. Review status: criteria provided, single submitter. Criteria: CeGaT Center For Human Genetics Tuebingen Variant Classification Criteria Version 2. Collection method: clinical testing. Allele origin: germline. Affected: yes. Observed: 1 variant allele.
Comment: KMT2D: BP4, BS1

Labcorp Genetics (formerly Invitae), Labcorp
Classification: Likely benign for Kabuki syndrome. Last evaluated: 2025-06-15. Review status: criteria provided, single submitter. Criteria: Invitae Variant Classification Sherloc (09022015). Collection method: clinical testing. Allele origin: germline.

Ambry Genetics
Classification: Likely benign for Inborn genetic diseases. Last evaluated: 2025-05-28. Review status: criteria provided, single submitter. Criteria: Ambry Variant Classification Scheme 2023. Collection method: clinical testing. Allele origin: germline.

PreventionGenetics, part of Exact Sciences
Classification: Likely benign for KMT2D-related condition. Last evaluated: 2024-10-16. Review status: criteria provided, single submitter. Criteria: ACMG Guidelines, 2015. Collection method: clinical testing. Allele origin: germline.
Comment: This variant is classified as likely benign based on ACMG/AMP sequence variant interpretation guidelines (Richards et al. 2015 PMID: 25741868, with internal and published modifications).

Department of Pathology and Laboratory Medicine, Sinai Health System
Classification: Benign for Kabuki syndrome 1; Choanal atresia-athelia-hypothyroidism-delayed puberty-short stature syndrome. Last evaluated: 2021-07-30. Review status: criteria provided, single submitter. Criteria: ACMG Guidelines, 2015. Collection method: research. Allele origin: germline.

GeneDx
Classification: Benign. Last evaluated: 2020-12-12. Review status: criteria provided, single submitter. Criteria: GeneDx Variant Classification Process June 2021. Collection method: clinical testing. Allele origin: germline. Affected: yes.

NM_003482.4(KMT2D):c.12944A>G (p.Gln4315Arg)

Gene: KMT2D (lysine methyltransferase 2D; minus strand). Cytogenetic location: 12q13.12.
Variant type: single nucleotide variant.
Coding change: c.12944A>G on transcript NM_003482.4 (MANE Select); coding-DNA position 12944, A replaced by G.
Protein change: p.Gln4315Arg; replaces glutamine 4315 with arginine.
Molecular consequence: missense variant.
Genome position (GRCh38, 1-based): chr12:49,031,761, T>C on the plus strand (A>G on the coding strand, the complement: KMT2D is on the minus strand). VCF-style: chr12-49031761-T-C. GRCh37 (hg19) VCF-style: chr12-49425544-T-C.
Other names: short protein forms Q4315R.
Identifiers: ClinVar variation 733373 (VCV000733373.19), dbSNP rs758018148, ClinGen allele CA6546097.
Genomic context (GRCh38, chr12:49,031,761, plus strand): 5'-TGGGCCTCAGTGGGAAGCTGGGAGCTGGGGGAAGGTAATTGTGAAGGTCTCTTTGGCTCT[T>C]GAGGGCTGGATGGTGGAGGTGTGGGATGGACAGGGCCAAGGACTGGTCCTGTAGATAAGG-3'
Protein context (NP_003473.3, residues 4305-4325): VHPTPPPSSP[Gln4315Arg]EPKRPSQLPS